The following is an entry in ClinVar:

NM_018367.7(ACER3):c.394G>C (p.Val132Leu)

Gene: ACER3 (alkaline ceramidase 3; plus strand). Cytogenetic location: 11q13.5.
Variant type: single nucleotide variant.
Coding change: c.394G>C on transcript NM_018367.7 (MANE Select); coding-DNA position 394, G replaced by C.
Protein change: p.Val132Leu; replaces valine 132 with leucine.
Molecular consequence: missense variant.
Genome position (GRCh38, 1-based): chr11:76,985,716, G>C. VCF-style: chr11-76985716-G-C. GRCh37 (hg19) VCF-style: chr11-76696760-G-C.
Other names: c.283G>C, p.Val95Leu (NM_001300953.2); c.109G>C, p.Val37Leu (NM_001300954.2, NM_001300955.2); short protein forms V37L, V132L, V95L.
Identifiers: ClinVar variation 2862294 (VCV002862294.3), dbSNP rs2495872437, ClinGen allele CA381925241.

ClinVar aggregate classification (germline): Uncertain significance (1 of 4 stars; one submission).

Submission:

Labcorp Genetics (formerly Invitae), Labcorp
Classification: Uncertain significance. Last evaluated: 2023-07-25. Review status: criteria provided, single submitter. Criteria: Invitae Variant Classification Sherloc (09022015). Collection method: clinical testing. Allele origin: germline.
Comment: This sequence change replaces valine, which is neutral and non-polar, with leucine, which is neutral and non-polar, at codon 132 of the ACER3 protein (p.Val132Leu). This variant is not present in population databases (gnomAD no frequency). This variant has not been reported in the literature in individuals affected with ACER3-related conditions. Advanced modeling of protein sequence and biophysical properties (such as structural, functional, and spatial information, amino acid conservation, physicochemical variation, residue mobility, and thermodynamic stability) performed at Invitae indicates that this missense variant is not expected to disrupt ACER3 protein function. In summary, the available evidence is currently insufficient to determine the role of this variant in disease. Therefore, it has been classified as a Variant of Uncertain Significance.